The following is an entry in ClinVar:

ClinVar aggregate classification (germline): Conflicting classifications of pathogenicity. Review status: criteria provided, conflicting classifications (1 of 4 stars). 4 submissions from 4 submitters: Pathogenic (1); Uncertain significance (3). Last evaluated 2026-04-10.

Conditions:
Early-infantile DEE. Also called: Early infantile epileptic encephalopathy; Early infantile epileptic encephalopathy with suppression bursts; Ohtahara syndrome. Identifiers: Orphanet 1934, MedGen C0393706, MONDO:0800491.
SCN1A-related epilepsy syndrome, recessive.

Submissions (4):

GeneDx
Classification: Uncertain significance. Last evaluated: 2026-04-10. Review status: criteria provided, single submitter. Criteria: GeneDx Variant Classification Process June 2021. Collection method: clinical testing. Allele origin: germline.
Comment: Observed in at least one individual with Dravet syndrome in published literature (PMID: 35074891, 27197941, 3445141); Not observed at significant frequency in large population cohorts (gnomAD); In silico analysis supports that this missense variant has a deleterious effect on protein structure/function; This substitution is predicted to be within the C-terminal cytoplasmic domain; This variant is associated with the following publications: (PMID: 28186331, 27197941, 35074891, 33445141)

Labcorp Genetics (formerly Invitae), Labcorp
Classification: Pathogenic for Early-infantile DEE. Last evaluated: 2024-10-21. Review status: criteria provided, single submitter. Criteria: Invitae Variant Classification Sherloc (09022015). Collection method: clinical testing. Allele origin: germline.
Comment: This sequence change replaces asparagine, which is neutral and polar, with threonine, which is neutral and polar, at codon 1845 of the SCN1A protein (p.Asn1845Thr). This variant is not present in population databases (gnomAD no frequency). This missense change has been observed in individual(s) with clinical features of autosomal dominant SCN1A-related conditions (PMID: 27197941; internal data). It has also been observed to segregate with disease in related individuals. ClinVar contains an entry for this variant (Variation ID: 954734). Invitae Evidence Modeling of protein sequence and biophysical properties (such as structural, functional, and spatial information, amino acid conservation, physicochemical variation, residue mobility, and thermodynamic stability) indicates that this missense variant is expected to disrupt SCN1A protein function with a positive predictive value of 95%. For these reasons, this variant has been classified as Pathogenic.

3billion
Classification: Uncertain significance for SCN1A-related epilepsy syndrome, recessive. Last evaluated: 2023-12-03. Review status: criteria provided, single submitter. Criteria: ACMG Guidelines, 2015. Collection method: clinical testing. Allele origin: germline. Affected: yes.
Comment: The variant is not observed in the gnomAD v2.1.1 dataset. Predicted Consequence/Location: Missense variant In silico tool predictions suggest damaging effect of the variant on gene or gene product [REVEL: 0.91 (>=0.6, sensitivity 0.68 and specificity 0.92); 3Cnet: 0.93 (>=0.6, sensitivity 0.72 and precision 0.9)]. Same nucleotide change resulting in same amino acid change has been previously reported to be associated with SCN1A related disorder (PMID: 27197941). However, the evidence of pathogenicity is insufficient at this time. Therefore, this variant is classified as VUS according to the recommendation of ACMG/AMP guideline.

Mendelics
Classification: Uncertain significance. Last evaluated: 2022-05-04. Review status: criteria provided, single submitter. Criteria: Mendelics Assertion Criteria 2019. Collection method: clinical testing. Allele origin: germline.

Literature cited by the submitters: PubMed 27197941 (cited by Labcorp Genetics (formerly Invitae), Labcorp and 3billion).

NM_001165963.4(SCN1A):c.5534A>C (p.Asn1845Thr)

Genes: SCN1A (sodium voltage-gated channel alpha subunit 1; minus strand), LOC102724058 (uncharacterized LOC102724058; plus strand). Cytogenetic location: 2q24.3.
Variant type: single nucleotide variant.
Coding change: c.5534A>C on transcript NM_001165963.4 (MANE Select); coding-DNA position 5534, A replaced by C.
Protein change: p.Asn1845Thr; replaces asparagine 1845 with threonine.
Molecular consequence: missense variant. On other transcripts: non-coding transcript variant (1).
Genome position (GRCh38, 1-based): chr2:165,991,741, T>G on the plus strand (A>C on the coding strand, the complement: SCN1A is on the minus strand). VCF-style: chr2-165991741-T-G. GRCh37 (hg19) VCF-style: chr2-166848251-T-G.
Other names: c.5450A>C, p.Asn1817Thr (NM_001165964.3, NM_001353957.2, NM_001353958.2); c.5534A>C, p.Asn1845Thr (NM_001202435.3, NM_001353948.2); c.5501A>C, p.Asn1834Thr (NM_001353949.2, NM_001353950.2, NM_001353951.2 and 2 more transcripts); c.5498A>C, p.Asn1833Thr (NM_001353954.2, NM_001353955.2); c.5447A>C, p.Asn1816Thr (NM_001353960.2); c.3092A>C, p.Asn1031Thr (NM_001353961.2); short protein forms N1031T, N1816T, N1833T, N1834T, N1845T, N1817T.
Identifiers: ClinVar variation 954734 (VCV000954734.13), dbSNP rs1689190343, ClinGen allele CA349065570.